The following is an entry in ClinVar:

ClinVar aggregate classification (germline): Uncertain significance. Review status: criteria provided, multiple submitters, no conflicts (2 of 4 stars). 2 submissions from 2 submitters: Uncertain significance (2). Last evaluated 2024-10-15.

Conditions:
Hereditary cancer-predisposing syndrome. Also called: Tumor predisposition; Neoplastic Syndromes, Hereditary; Hereditary Cancer Syndrome; Hereditary neoplastic syndrome. Identifiers: Orphanet 140162, MedGen C0027672, MeSH D009386, MONDO:0015356.
Ataxia-telangiectasia syndrome (AT). Also called: ATAXIA-TELANGIECTASIA, COMPLEMENTATION GROUP A; ATAXIA-TELANGIECTASIA, FRESNO VARIANT; Ataxia-telangiectasia; Ataxia-telangiectasia, complementation group D; AT, COMPLEMENTATION GROUP C; Ataxia-telangiectasia, complementation group E. Identifiers: Orphanet 100, MedGen C0004135, MONDO:0008840, OMIM 208900.

Submissions (2):

Color Diagnostics, LLC DBA Color Health
Classification: Uncertain significance for Hereditary cancer-predisposing syndrome. Last evaluated: 2024-10-15. Review status: criteria provided, single submitter. Criteria: ACMG Guidelines, 2015. Collection method: clinical testing. Allele origin: germline.
Comment: This missense variant replaces leucine with proline at codon 2004 of the ATM protein. Computational prediction is inconclusive regarding the impact of this variant on protein structure and function (internally defined REVEL score threshold 0.5 < inconclusive < 0.7, PMID: 27666373). To our knowledge, functional studies have not been reported for this variant. This variant has not been reported in individuals affected with ATM-related disorders in the literature. This variant has not been identified in the general population by the Genome Aggregation Database (gnomAD). The available evidence is insufficient to determine the role of this variant in disease conclusively. Therefore, this variant is classified as a Variant of Uncertain Significance.

Labcorp Genetics (formerly Invitae), Labcorp
Classification: Uncertain significance for Ataxia-telangiectasia syndrome. Last evaluated: 2022-02-10. Review status: criteria provided, single submitter. Criteria: Invitae Variant Classification Sherloc (09022015). Collection method: clinical testing. Allele origin: germline.
Comment: In summary, the available evidence is currently insufficient to determine the role of this variant in disease. Therefore, it has been classified as a Variant of Uncertain Significance. Advanced modeling of protein sequence and biophysical properties (such as structural, functional, and spatial information, amino acid conservation, physicochemical variation, residue mobility, and thermodynamic stability) performed at Invitae indicates that this missense variant is not expected to disrupt ATM protein function. ClinVar contains an entry for this variant (Variation ID: 844655). This variant has not been reported in the literature in individuals affected with ATM-related conditions. This variant is not present in population databases (gnomAD no frequency). This sequence change replaces leucine, which is neutral and non-polar, with proline, which is neutral and non-polar, at codon 2004 of the ATM protein (p.Leu2004Pro).

NM_000051.4(ATM):c.6011T>C (p.Leu2004Pro)

Genes: ATM (ATM serine/threonine kinase; plus strand), C11orf65 (chromosome 11 open reading frame 65; minus strand). Cytogenetic location: 11q22.3.
Variant type: single nucleotide variant.
Coding change: c.6011T>C on transcript NM_000051.4 (MANE Select); coding-DNA position 6011, T replaced by C.
Protein change: p.Leu2004Pro; replaces leucine 2004 with proline.
Molecular consequence: missense variant. On other transcripts: intron variant (2).
Genome position (GRCh38, 1-based): chr11:108,315,827, T>C. VCF-style: chr11-108315827-T-C. GRCh37 (hg19) VCF-style: chr11-108186554-T-C.
Other names: c.6011T>C, p.Leu2004Pro (NM_001351834.2); c.641-6756A>G (NM_001330368.2); c.*39-6756A>G (NM_001351110.2); short protein forms L2004P.
Identifiers: ClinVar variation 844655 (VCV000844655.10), dbSNP rs1064795932, ClinGen allele CA382549791.